The following is an entry in ClinVar:

ClinVar aggregate classification (germline): Pathogenic (1 of 4 stars; one submission).

Submission:

Labcorp Genetics (formerly Invitae), Labcorp
Classification: Pathogenic. Last evaluated: 2024-01-25. Review status: criteria provided, single submitter. Criteria: Invitae Variant Classification Sherloc (09022015). Collection method: clinical testing. Allele origin: unknown.
Comment: This variant is a gross deletion of the genomic region encompassing exon(s) 5-6 of the MYO3A gene. This deletion is out-of-frame, and is expected to create a premature termination codon and result in an absent or disrupted protein product. Loss-of-function variants in MYO3A are known to be pathogenic (PMID: 12032315, 23990876). This variant has not been reported in the literature in individuals affected with MYO3A-related conditions. For these reasons, this variant has been classified as Pathogenic.

Literature cited by the submitters: PubMed 12032315; PubMed 23990876.

NC_000010.10:g.(?_26285399)_(26286207_?)del

Gene: MYO3A (myosin IIIA; plus strand). Cytogenetic location: 10p12.1.
Variant type: Deletion.
Identifiers: ClinVar variation 3244994 (VCV003244994.1).